The following is an entry in ClinVar:

NM_006031.6(PCNT):c.3460G>A (p.Glu1154Lys)

Gene: PCNT (pericentrin; plus strand). Cytogenetic location: 21q22.3.
Variant type: single nucleotide variant.
Coding change: c.3460G>A on transcript NM_006031.6 (MANE Select); coding-DNA position 3460, G replaced by A.
Protein change: p.Glu1154Lys; replaces glutamic acid 1154 with lysine.
Molecular consequence: missense variant.
Genome position (GRCh38, 1-based): chr21:46,385,979, G>A. VCF-style: chr21-46385979-G-A. GRCh37 (hg19) VCF-style: chr21-47805894-G-A.
Other names: c.3106G>A, p.Glu1036Lys (NM_001315529.2); short protein forms E1036K, E1154K.
Identifiers: ClinVar variation 2634427 (VCV002634427.1), dbSNP rs387906928, ClinGen allele CA10079303.

ClinVar aggregate classification (germline): Uncertain significance (1 of 4 stars; one submission).

Conditions:
PCNT-related disorder. Also called: PCNT-related condition.

Allele frequency attached by ClinVar (database versions not stated): gnomAD 0.00001; TOPMed 0.00001; gnomAD exomes 0.00003; ExAC 0.00006.
gnomAD v4.1: 48 of 1,613,946 alleles (0.003%); highest among the groups gnomAD compares: South Asian, 0.033%; 1 homozygote.

Submission:

PreventionGenetics, part of Exact Sciences
Classification: Uncertain significance for PCNT-related condition. Last evaluated: 2023-08-11. Review status: criteria provided, single submitter. Criteria: ACMG Guidelines, 2015. Collection method: clinical testing. Allele origin: germline.
Comment: The PCNT c.3460G>A variant is predicted to result in the amino acid substitution p.Glu1154Lys. To our knowledge, this variant has not been reported in the literature. This variant is reported in 0.029% of alleles in individuals of South Asian descent in gnomAD. At this time, the clinical significance of this variant is uncertain due to the absence of conclusive functional and genetic evidence.